The following is an entry in ClinVar:

NM_001694.4(ATP6V0C):c.188G>C (p.Gly63Ala)

Gene: ATP6V0C (ATPase H+ transporting V0 subunit c; plus strand). Cytogenetic location: 16p13.3.
Variant type: single nucleotide variant.
Coding change: c.188G>C on transcript NM_001694.4 (MANE Select); coding-DNA position 188, G replaced by C.
Protein change: p.Gly63Ala; replaces glycine 63 with alanine.
Molecular consequence: missense variant.
Genome position (GRCh38, 1-based): chr16:2,519,326, G>C. VCF-style: chr16-2519326-G-C. GRCh37 (hg19) VCF-style: chr16-2569327-G-C.
Other names: c.188G>C, p.Gly63Ala (NM_001198569.2); c.188G>C (NM_001198569.1); short protein forms G63A.
Identifiers: ClinVar variation 2575304 (VCV002575304.2), dbSNP rs2505557763, ClinGen allele CA394387230.

ClinVar aggregate classification (germline): Pathogenic. Review status: criteria provided, single submitter (1 of 4 stars). 2 submissions from 2 submitters: Pathogenic (1). 1 of the submissions does not count toward it. Last evaluated 2023-11-17.

Conditions:
EPILEPSY, EARLY-ONSET, 3, WITH DEVELOPMENTAL DELAY.

Submissions (2):

GeneDx
Classification: Pathogenic. Last evaluated: 2023-11-17. Review status: criteria provided, single submitter. Criteria: GeneDx Variant Classification Process June 2021. Collection method: clinical testing. Allele origin: germline. Affected: yes.
Comment: Published functional studies indicated that this variant results in significantly decreased V-ATPase activity (PMID: 36074901); Not observed at significant frequency in large population cohorts (gnomAD); In silico analysis supports that this missense variant has a deleterious effect on protein structure/function; This variant is associated with the following publications: (PMID: 36074901)

OMIM
Classification: Pathogenic for EPILEPSY, EARLY-ONSET, 3, WITH DEVELOPMENTAL DELAY. Last evaluated: 2023-08-14. Review status: no assertion criteria provided. Collection method: literature only. Allele origin: germline. Not counted in ClinVar's aggregate classification.

Literature cited by the submitters: PubMed 36074901 (cited by OMIM).